The following is an entry in ClinVar:

NM_001127898.4(CLCN5):c.941C>T (p.Ser314Leu)

Gene: CLCN5 (Cl-/H+ antiporter 5; plus strand). Cytogenetic location: Xp11.23.
Variant type: single nucleotide variant.
Coding change: c.941C>T on transcript NM_001127898.4 (MANE Select); coding-DNA position 941, C replaced by T.
Protein change: p.Ser314Leu; replaces serine 314 with leucine.
Molecular consequence: missense variant.
Genome position (GRCh38, 1-based): chrX:50,085,987, C>T. VCF-style: chrX-50085987-C-T. GRCh37 (hg19) VCF-style: chrX-49850644-C-T.
Other names: c.731C>T (NM_000084.4); c.731C>T, p.Ser244Leu (NM_000084.5); c.941C>T, p.Ser314Leu (NM_001127899.4); c.791C>T, p.Ser264Leu (NM_001282163.2); short protein forms S244L, S314L, S264L.
Identifiers: ClinVar variation 11802 (VCV000011802.16), dbSNP rs151340626, ClinGen allele CA341144.

ClinVar aggregate classification (germline): Pathogenic. Review status: criteria provided, multiple submitters, no conflicts (2 of 4 stars). 8 submissions from 7 submitters: Pathogenic (5). 3 of the submissions do not count toward it. Last evaluated 2025-03-11.

Conditions:
CLCN5-related disorder. Also called: CLCN5-related condition.
X-linked recessive nephrolithiasis with renal failure (XRN). Also called: NEPHROLITHIASIS 1; NEPHROLITHIASIS, X-LINKED RECESSIVE, TYPE 1; UROLITHIASIS, X-LINKED RECESSIVE, TYPE 1. Identifiers: Orphanet 1652, Orphanet 93622, MedGen C0403720, MONDO:0010687, OMIM 310468.
Hypophosphatemic rickets, X-linked recessive (XLHRR). Identifiers: Orphanet 1652, Orphanet 93622, MedGen C1845168, MONDO:0010358, OMIM 300554.
Proteinuria, low molecular weight, with hypercalciuria and nephrocalcinosis. Identifiers: Orphanet 1652, Orphanet 93622, MedGen C1839874, MONDO:0010644, OMIM 308990.
Dent disease type 1 (DENT1). Also called: NEPHROLITHIASIS 2; NEPHROLITHIASIS, HYPERCALCIURIC, X-LINKED. Identifiers: Orphanet 1652, Orphanet 93622, MedGen C1848336, MONDO:0010225, OMIM 300009.

gnomAD v4.1: 1 of 1,207,006 alleles (0.000083%); no homozygotes.

Submissions (8):

Labcorp Genetics (formerly Invitae), Labcorp
Classification: Pathogenic. Last evaluated: 2025-03-11. Review status: criteria provided, single submitter. Criteria: Invitae Variant Classification Sherloc (09022015). Collection method: clinical testing. Allele origin: germline.
Comment: This sequence change replaces serine, which is neutral and polar, with leucine, which is neutral and non-polar, at codon 244 of the CLCN5 protein (p.Ser244Leu). This variant is not present in population databases (gnomAD no frequency). This missense change has been observed in individuals with Dent disease (PMID: 19546591, 24081861, 27117801, 28580211, 31672324). ClinVar contains an entry for this variant (Variation ID: 11802). Invitae Evidence Modeling of protein sequence and biophysical properties (such as structural, functional, and spatial information, amino acid conservation, physicochemical variation, residue mobility, and thermodynamic stability) indicates that this missense variant is expected to disrupt CLCN5 protein function with a positive predictive value of 80%. Experimental studies have shown that this missense change affects CLCN5 function (PMID: 8559248, 27117801). For these reasons, this variant has been classified as Pathogenic.

GeneDx
Classification: Pathogenic. Last evaluated: 2024-08-30. Review status: criteria provided, single submitter. Criteria: GeneDx Variant Classification Process June 2021. Collection method: clinical testing. Allele origin: germline. Affected: yes.
Comment: Reported previously in multiple unrelated individuals with CLCN5-related disorders referred for genetic testing at GeneDx and in the published literature (PMID: 24081861, 19546591); Published functional and expression studies of the S244L variant show that its presence reduces the current of the CLCN5 chloride channel and significantly impairs CLCN5 transport function (PMID: 27117801, 8559248, 21305656); Not observed at significant frequency in large population cohorts (gnomAD); Missense variants in this gene are a common cause of disease and they are underrepresented in the general population; In silico analysis supports that this missense variant has a deleterious effect on protein structure/function; This variant is associated with the following publications: (PMID: 22083641, 36646056, 28580211, 8559248, 20804101, 21305656, 19546591, 21955393, 31672324, 31852738, 9187673, 32393202, 33852231, 31328266, 38002082, 38233994, 24081861, 27117801, 31674016)

3billion
Classification: Pathogenic for CLCN5-related disorder. Last evaluated: 2024-06-25. Review status: criteria provided, single submitter. Criteria: ACMG Guidelines, 2015. Collection method: clinical testing. Allele origin: germline. Affected: yes.
Comment: The variant is observed at an extremely low frequency in the gnomAD v4.0.0 dataset (total allele frequency: <0.001%). Predicted Consequence/Location: Missense variant Functional studies provide strong evidence of the variant having a damaging effect on the gene or gene product (PMID: 22083641, 8559248). In silico tool predictions suggest damaging effect of the variant on gene or gene product [REVEL: 0.96 (>=0.6, sensitivity 0.68 and specificity 0.92); 3Cnet: 0.15 (>=0.6, sensitivity 0.72 and precision 0.9)]. The same nucleotide change resulting in the same amino acid change has been previously reported as pathogenic/likely pathogenic with strong evidence (ClinVar ID: VCV000011802 /PMID: 8559248). Therefore, this variant is classified as Pathogenic according to the recommendation of ACMG/AMP guideline.

PreventionGenetics, part of Exact Sciences
Classification: Pathogenic for CLCN5-related condition. Last evaluated: 2023-08-23. Review status: criteria provided, single submitter. Criteria: ACMG Guidelines, 2015. Collection method: clinical testing. Allele origin: germline.
Comment: The CLCN5 c.731C>T variant is predicted to result in the amino acid substitution p.Ser244Leu. This variant was reported in many individuals with Dent disease (Tang et al. 2016. PubMed ID: 27117801; Hureaux et al. 2019. PubMed ID: 31672324; Sekine et al. 2013. PubMed ID: 24081861), and was confirmed de novo in one Dent disease patient (Ye et al. 2020. PubMed ID: 31674016). This variant was also reported in two families with x-linked recessive hypophosphatemic rickets (Lloyd et al. 1996. PubMed ID: 8559248; Oudet et al. 1997. PubMed ID: 9187673). Experimental studies suggest this variant impacts protein function (Grand et al. 2011. PubMed ID: 21305656; Lourdel et al. 2011. PubMed ID: 22083641). This variant has not been reported in a large population database, indicating this variant is rare. This variant is interpreted as pathogenic.

Fulgent Genetics
Classification: Pathogenic for Dent disease type 1; Hypophosphatemic rickets, X-linked recessive; Proteinuria, low molecular weight, with hypercalciuria and nephrocalcinosis; X-linked recessive nephrolithiasis with renal failure. Last evaluated: 2022-04-18. Review status: criteria provided, single submitter. Criteria: ACMG Guidelines, 2015. Collection method: clinical testing. Allele origin: unknown.

OMIM
Classification: Pathogenic for HYPOPHOSPHATEMIC RICKETS, X-LINKED RECESSIVE. Last evaluated: 1997-06-01. Review status: no assertion criteria provided. Collection method: literature only. Allele origin: germline. Not counted in ClinVar's aggregate classification.

GeneReviews
No classification provided. Condition: Hypophosphatemic rickets, X-linked recessive. Review status: no classification provided. Collection method: literature only. Allele origin: unknown. Not counted in ClinVar's aggregate classification.

GeneReviews
No classification provided. Condition: Dent disease type 1. Review status: no classification provided. Collection method: literature only. Allele origin: germline. Not counted in ClinVar's aggregate classification.

Literature cited by the submitters: PubMed 19546591 (cited by Labcorp Genetics (formerly Invitae), Labcorp); PubMed 24081861 (cited by Labcorp Genetics (formerly Invitae), Labcorp); PubMed 27117801 (cited by Labcorp Genetics (formerly Invitae), Labcorp); PubMed 28580211 (cited by Labcorp Genetics (formerly Invitae), Labcorp); PubMed 31672324 (cited by Labcorp Genetics (formerly Invitae), Labcorp); PubMed 8559248 (cited by 3 submitters); PubMed 22083641 (cited by 3billion); PubMed 7915957 (cited by OMIM); PubMed 9187673 (cited by OMIM); PubMed 22876375 (cited by GeneReviews); NCBI Bookshelf NBK99494 (cited by GeneReviews).